The following is an entry in ClinVar:

ClinVar aggregate classification (germline): Benign. Review status: criteria provided, multiple submitters, no conflicts (2 of 4 stars). 4 submissions from 3 submitters: Benign (4). Last evaluated 2021-05-12.

Conditions:
Mitochondrial complex IV deficiency, nuclear type 1 (MC4DN1). Also called: COX DEFICIENCY; Mitochondrial complex IV deficiency; Complex 4 mitochondrial respiratory chain deficiency; Deficiency of mitochondrial respiratory chain complex4; Complex IV deficiency. Identifiers: MedGen C5435656, MONDO:0700250, OMIM 220110. Disease mechanism: loss of function.
Leigh syndrome (NULS). Also called: Leigh Disease; Subacute necrotizing encephalopathy; Necrotizing encephalopathy infantile subacute of Leigh; Leigh's necrotizing encephalopathy; Leigh's disease; Leigh's syndrome. Identifiers: Orphanet 506, MedGen C2931891, MONDO:0009723, OMIM 256000.

Allele frequency attached by ClinVar (database versions not stated): gnomAD exomes 0.14851; TOPMed 0.15219; gnomAD 0.15929 and 0.16362; 1000 Genomes Project 30x 0.19254; 1000 Genomes Project 0.20008.
gnomAD v4.1: 24,832 of 152,356 alleles (16%); highest among the groups gnomAD compares: East Asian, 40%; 2,313 homozygotes.

Submissions (4):

GeneDx
Classification: Benign. Last evaluated: 2021-05-12. Review status: criteria provided, single submitter. Criteria: GeneDx Variant Classification Process June 2021. Collection method: clinical testing. Allele origin: germline. Affected: yes.

Illumina Laboratory Services, Illumina
Classification: Benign for Mitochondrial complex IV deficiency, nuclear type 1. Last evaluated: 2018-01-12. Review status: criteria provided, single submitter. Criteria: ICSL Variant Classification Criteria 13 December 2019. Collection method: clinical testing. Allele origin: germline.
Comment: This variant was observed in the ICSL laboratory as part of a predisposition screen in an ostensibly healthy population. It had not been previously curated by ICSL or reported in the Human Gene Mutation Database (HGMD: prior to June 1st, 2018), and was therefore a candidate for classification through an automated scoring system. Utilizing variant allele frequency, disease prevalence and penetrance estimates, and inheritance mode, an automated score was calculated to assess if this variant is too frequent to cause the disease. Based on the score and internal cut-off values, a variant classified as benign is not then subjected to further curation. The score for this variant resulted in a classification of benign for this disease.

Illumina Laboratory Services, Illumina
Classification: Benign for Leigh syndrome. Last evaluated: 2018-01-12. Review status: criteria provided, single submitter. Criteria: ICSL Variant Classification Criteria 13 December 2019. Collection method: clinical testing. Allele origin: germline.
Comment: the same text as in the submission from Illumina Laboratory Services, Illumina above.

Breakthrough Genomics
Classification: Benign. Review status: criteria provided, single submitter. Criteria: ACMG Guidelines, 2015. Collection method: not provided. Allele origin: germline. Inheritance: Autosomal recessive inheritance. Affected: yes.

NM_001303.4(COX10):c.*757T>C

Gene: COX10 (cytochrome c oxidase assembly factor heme A:farnesyltransferase COX10; plus strand). Cytogenetic location: 17p12.
Variant type: single nucleotide variant.
Coding change: c.*757T>C on transcript NM_001303.4 (MANE Select); 757 bases downstream of the stop codon, T replaced by C.
Molecular consequence: 3 prime UTR variant.
Genome position (GRCh38, 1-based): chr17:14,207,970, T>C. VCF-style: chr17-14207970-T-C. GRCh37 (hg19) VCF-style: chr17-14111287-T-C.
Identifiers: ClinVar variation 321834 (VCV000321834.7), dbSNP rs1802618, ClinGen allele CA10648597.